The following is an entry in ClinVar:

NM_004380.3(CREBBP):c.1923C>T (p.Tyr641=)

Gene: CREBBP (CREB binding lysine acetyltransferase; minus strand). Cytogenetic location: 16p13.3.
Variant type: single nucleotide variant.
Coding change: c.1923C>T on transcript NM_004380.3 (MANE Select); coding-DNA position 1923, C replaced by T.
Protein change: p.Tyr641=; no amino-acid change (tyrosine 641 retained).
Molecular consequence: synonymous variant.
Genome position (GRCh38, 1-based): chr16:3,778,718, G>A on the plus strand (C>T on the coding strand, the complement: CREBBP is on the minus strand). VCF-style: chr16-3778718-G-A. GRCh37 (hg19) VCF-style: chr16-3828719-G-A.
Other names: c.1809C>T, p.Tyr603= (NM_001079846.1); c.1923C>T (NM_004380.2).
Identifiers: ClinVar variation 2885809 (VCV002885809.5), dbSNP rs763196598, ClinGen allele CA7870328.

ClinVar aggregate classification (germline): Benign. Review status: criteria provided, single submitter (1 of 4 stars). 2 submissions from 2 submitters: Benign (1). 1 of the submissions does not count toward it. Last evaluated 2025-09-17.

Conditions:
CREBBP-related disorder. Also called: CREBBP-related disorders; CREBBP-related condition.
Rubinstein-Taybi syndrome (RSTS). Identifiers: Orphanet 783, MedGen C0035934, MONDO:0019188.

Allele frequency attached by ClinVar (database versions not stated): ExAC 0.00001; gnomAD exomes 0.00001; gnomAD 0.00003; TOPMed 0.00003.
gnomAD v4.1: 17 of 1,613,666 alleles (0.0011%); highest among the groups gnomAD compares: African/African-American, 0.011%; no homozygotes.

Submissions (2):

Labcorp Genetics (formerly Invitae), Labcorp
Classification: Benign for Rubinstein-Taybi syndrome. Last evaluated: 2025-09-17. Review status: criteria provided, single submitter. Criteria: Invitae Variant Classification Sherloc (09022015). Collection method: clinical testing. Allele origin: germline.

PreventionGenetics, part of Exact Sciences
Classification: Likely benign for CREBBP-related condition. Last evaluated: 2022-10-05. Review status: no assertion criteria provided. Collection method: clinical testing. Allele origin: germline. Not counted in ClinVar's aggregate classification.
Comment: This variant is classified as likely benign based on ACMG/AMP sequence variant interpretation guidelines (Richards et al. 2015 PMID: 25741868, with internal and published modifications).